The following is an entry in ClinVar:

ClinVar aggregate classification (germline): Uncertain significance. Review status: criteria provided, multiple submitters, no conflicts (2 of 4 stars). 2 submissions from 2 submitters: Uncertain significance (2). Last evaluated 2024-11-13.

Conditions:
Birt-Hogg-Dube syndrome. Also called: Birt Hogg Dubé syndrome. Identifiers: Orphanet 122, MedGen C0346010, MONDO:0800444.
Hereditary cancer-predisposing syndrome. Also called: Neoplastic Syndromes, Hereditary; Tumor predisposition; Hereditary Cancer Syndrome; Hereditary neoplastic syndrome. Identifiers: Orphanet 140162, MedGen C0027672, MeSH D009386, MONDO:0015356.

gnomAD v4.1: 1 of 1,614,114 alleles (0.000062%); no homozygotes.

Submissions (2):

Ambry Genetics
Classification: Uncertain significance for Hereditary cancer-predisposing syndrome. Last evaluated: 2024-11-13. Review status: criteria provided, single submitter. Criteria: Ambry Variant Classification Scheme 2023. Collection method: clinical testing. Allele origin: germline.

Labcorp Genetics (formerly Invitae), Labcorp
Classification: Uncertain significance for Birt-Hogg-Dube syndrome. Last evaluated: 2021-08-28. Review status: criteria provided, single submitter. Criteria: Invitae Variant Classification Sherloc (09022015). Collection method: clinical testing. Allele origin: germline.
Comment: This sequence change replaces serine with threonine at codon 103 of the FLCN protein (p.Ser103Thr). The serine residue is moderately conserved and there is a small physicochemical difference between serine and threonine. This variant is not present in population databases (ExAC no frequency). This variant has not been reported in the literature in individuals affected with FLCN-related conditions. Algorithms developed to predict the effect of missense changes on protein structure and function (SIFT, PolyPhen-2, Align-GVGD) all suggest that this variant is likely to be tolerated. In summary, the available evidence is currently insufficient to determine the role of this variant in disease. Therefore, it has been classified as a Variant of Uncertain Significance.

NM_144997.7(FLCN):c.307T>A (p.Ser103Thr)

Gene: FLCN (folliculin; minus strand). Cytogenetic location: 17p11.2.
Variant type: single nucleotide variant.
Coding change: c.307T>A on transcript NM_144997.7 (MANE Select); coding-DNA position 307, T replaced by A.
Protein change: p.Ser103Thr; replaces serine 103 with threonine.
Molecular consequence: missense variant.
Genome position (GRCh38, 1-based): chr17:17,226,265, A>T on the plus strand (T>A on the coding strand, the complement: FLCN is on the minus strand). VCF-style: chr17-17226265-A-T. GRCh37 (hg19) VCF-style: chr17-17129579-A-T.
Other names: c.307T>A, p.Ser103Thr (NM_001353229.2, NM_001353230.2, NM_001353231.2 and 1 more transcripts); short protein forms S103T.
Identifiers: ClinVar variation 1727359 (VCV001727359.5), dbSNP rs2544282217, ClinGen allele CA398534878.
Genomic context (GRCh38, chr17:17,226,265, plus strand): 5'-GGCGGACAATGCTGAAGAGCTGGGGGTGGCTGGGGTGCTGGTGGCTGACGTATTTAATGG[A>T]GGTCTCTTTATCATGGCTGATATATCCCGGGTGCCCTGCAGCAAGTGACCGGCAGCCCTG-3'
Protein context (NP_659434.2, residues 93-113): PGYISHDKET[Ser103Thr]IKYVSHQHPS